The following is an entry in ClinVar:

ClinVar aggregate classification (germline): Conflicting classifications of pathogenicity. Review status: criteria provided, conflicting classifications (1 of 4 stars). 2 submissions from 2 submitters: Uncertain significance (1); Likely benign (1). Last evaluated 2023-03-23.

Conditions:
Hereditary cancer-predisposing syndrome. Also called: Tumor predisposition; Hereditary Cancer Syndrome; Hereditary neoplastic syndrome; Neoplastic Syndromes, Hereditary. Identifiers: Orphanet 140162, MedGen C0027672, MeSH D009386, MONDO:0015356.
Hereditary breast ovarian cancer syndrome. Also called: Hereditary breast and ovarian cancer; BRCA1- and BRCA2-Associated Hereditary Breast and Ovarian Cancer; Hereditary breast and ovarian cancer syndrome; Hereditary breast and ovarian cancer syndrome (HBOC); Breast and ovarian cancer; Hereditary breast and/or ovarian cancer syndrome. Identifiers: Orphanet 145, MedGen C0677776, MeSH D061325, MONDO:0003582. Disease mechanism: loss of function.

Submissions (2):

University of Washington Department of Laboratory Medicine, University of Washington
Classification: Likely benign for Hereditary cancer-predisposing syndrome. Last evaluated: 2023-03-23. Review status: criteria provided, single submitter. Criteria: Dines et al. (Genet Med. 2020). Collection method: curation. Allele origin: germline.
Comment: Missense variant in a coldspot region where missense variants are very unlikely to be pathogenic (PMID:31911673).

BRCA2 exon 11 coldspot. Reclassification based on statistical prior probability.

Labcorp Genetics (formerly Invitae), Labcorp
Classification: Uncertain significance for Hereditary breast ovarian cancer syndrome. Last evaluated: 2021-02-02. Review status: criteria provided, single submitter. Criteria: Invitae Variant Classification Sherloc (09022015). Collection method: clinical testing. Allele origin: germline.
Comment: In summary, the available evidence is currently insufficient to determine the role of this variant in disease. Therefore, it has been classified as a Variant of Uncertain Significance. Advanced modeling of protein sequence and biophysical properties (such as structural, functional, and spatial information, amino acid conservation, physicochemical variation, residue mobility, and thermodynamic stability) performed at Invitae indicates that this missense variant is not expected to disrupt BRCA2 protein function. This variant has not been reported in the literature in individuals with BRCA2-related conditions. This variant is not present in population databases (ExAC no frequency). This sequence change replaces methionine with threonine at codon 1029 of the BRCA2 protein (p.Met1029Thr). The methionine residue is weakly conserved and there is a moderate physicochemical difference between methionine and threonine.

NM_000059.4(BRCA2):c.3086T>C (p.Met1029Thr)

Gene: BRCA2 (BRCA2 DNA repair associated; plus strand). Cytogenetic location: 13q13.1.
Variant type: single nucleotide variant.
Coding change: c.3086T>C on transcript NM_000059.4 (MANE Select); coding-DNA position 3086, T replaced by C.
Protein change: p.Met1029Thr; replaces methionine 1029 with threonine.
Molecular consequence: missense variant.
Genome position (GRCh38, 1-based): chr13:32,337,441, T>C. VCF-style: chr13-32337441-T-C. GRCh37 (hg19) VCF-style: chr13-32911578-T-C.
Other names: short protein forms M1029T.
Identifiers: ClinVar variation 1480348 (VCV001480348.9), dbSNP rs2137493039, ClinGen allele CA387775241.